The following is an entry in ClinVar:

ClinVar aggregate classification (germline): Uncertain significance (1 of 4 stars; one submission).

Conditions:
Inborn genetic diseases. Identifiers: MedGen C0950123, MeSH D030342.

gnomAD v4.1: 10 of 1,613,928 alleles (0.00062%); highest among the groups gnomAD compares: Non-Finnish European, 0.00059%; no homozygotes.

Submission:

Ambry Genetics
Classification: Uncertain significance for Inborn genetic diseases. Last evaluated: 2025-01-23. Review status: criteria provided, single submitter. Criteria: Ambry Variant Classification Scheme 2023. Collection method: clinical testing. Allele origin: germline.
Comment: The p.Q349R variant (also known as c.1046A>G), located in coding exon 11 of the ASXL1 gene, results from an A to G substitution at nucleotide position 1046. The glutamine at codon 349 is replaced by arginine, an amino acid with highly similar properties. This amino acid position is conserved. In addition, this alteration is predicted to be tolerated by in silico analysis. Based on the available evidence, the clinical significance of this variant remains unclear.

NM_015338.6(ASXL1):c.1046A>G (p.Gln349Arg)

Gene: ASXL1 (ASXL transcriptional regulator 1; plus strand). Cytogenetic location: 20q11.21.
Variant type: single nucleotide variant.
Coding change: c.1046A>G on transcript NM_015338.6 (MANE Select); coding-DNA position 1046, A replaced by G.
Protein change: p.Gln349Arg; replaces glutamine 349 with arginine.
Molecular consequence: missense variant.
Genome position (GRCh38, 1-based): chr20:32,432,946, A>G. VCF-style: chr20-32432946-A-G. GRCh37 (hg19) VCF-style: chr20-31020749-A-G.
Other names: c.863A>G, p.Gln288Arg (NM_001363734.1); short protein forms Q288R, Q349R.
Identifiers: ClinVar variation 3792684 (VCV003792684.1).